The following is an entry in ClinVar:

ClinVar aggregate classification (germline): Pathogenic (1 of 4 stars; one submission).

Conditions:
Ehlers-Danlos syndrome, dermatosparaxis type. Also called: EDS VIIC; Dermatosparaxis; Ehlers-Danlos syndrome, type VII, autosomal recessive. Identifiers: Orphanet 1901, MedGen C2700425, MONDO:0009161, OMIM 225410.

Submission:

Myriad Genetics, Inc.
Classification: Pathogenic for Ehlers-Danlos syndrome, dermatosparaxis type. Last evaluated: 2025-08-30. Review status: criteria provided, single submitter. Criteria: Myriad Autosomal Dominant, Autosomal Recessive and X-Linked Classification Criteria (2023). Collection method: clinical testing. Allele origin: unknown.
Comment: NM_014244.4(ADAMTS2):c.20_23dupCCGC(R10Sfs*57) is expected to be pathogenic in the context of Ehlers-Danlos syndrome, ADAMTS2-related. This variant is predicted to lead to an abnormal or absent protein product due to the creation of a premature termination codon in ADAMTS2, a gene where loss-of-function variants are known to be pathogenic. Please note: this variant was assessed in the context of healthy population screening.

NM_014244.5(ADAMTS2):c.20_23dup (p.Arg10fs)

Gene: ADAMTS2 (ADAM metallopeptidase with thrombospondin type 1 motif 2; minus strand). Cytogenetic location: 5q35.3.
Variant type: Duplication.
Coding change: c.20_23dup on transcript NM_014244.5 (MANE Select); coding-DNA positions 20 to 23, 4 bases duplicated (CCGC; older notation c.20_23dupCCGC).
Protein change: p.Arg10fs; shifts the reading frame from arginine 10.
Molecular consequence: frameshift variant.
Genome position (GRCh38, 1-based): chr5:179,345,306-179,345,309, GCGG duplicated on the plus strand (CCGC on the coding strand, the reverse complement: ADAMTS2 is on the minus strand). VCF-style (leftmost placement, unchanged base first): chr5-179345305-A-AGCGG. GRCh37 (hg19) VCF-style: chr5-178772306-A-AGCGG.
Other names: c.20_23dup, p.Arg10fs (NM_021599.4); short protein forms R10fs.
Identifiers: ClinVar variation 5014924 (VCV005014924.1).